The following is an entry in ClinVar:

NC_000002.12:g.121530946C>T

Genes: CLASP1 (cytoplasmic linker associated protein 1; minus strand), CLASP1-AS1 (CLASP1 antisense RNA 1; plus strand), RNU4ATAC (RNA, U4atac small nuclear; plus strand). Cytogenetic location: 2q14.2.
Variant type: single nucleotide variant.
Molecular consequence: intron variant (on NM_001395891.1).
Genome position: GRCh38 VCF-style: chr2-121530946-C-T. GRCh37 (hg19) VCF-style: chr2-122288522-C-T.
Other names: c.196-621G>A (NM_001142274.2, NM_015282.3, NM_001378003.1 and 5 more transcripts).
Identifiers: ClinVar variation 1503496 (VCV001503496.3), dbSNP rs564978047, ClinGen allele CA1854716.
Genomic context (GRCh38, chr2:121,530,946, plus strand): 5'-CCTTTTCTTGGGGTTGCGCTACTGTCCAATGAGCGCATAGTGAGGGCAGTACTGCTAACG[C>T]CTGAACAACACACCCGCATCAACTAGAGCTTTTGCTTTATTTTGGTGCAATTTTTGGAAA-3'

ClinVar aggregate classification (germline): Uncertain significance (1 of 4 stars; one submission).

Allele frequency attached by ClinVar (database versions not stated): gnomAD exomes 0.00009; ExAC 0.00019; 1000 Genomes Project 30x 0.00031; 1000 Genomes Project 0.00060.
gnomAD v4.1: 55 of 700,398 alleles (0.0079%); highest among the groups gnomAD compares: Middle Eastern, 0.037%; no homozygotes.

Submission:

Labcorp Genetics (formerly Invitae), Labcorp
Classification: Uncertain significance. Last evaluated: 2022-07-06. Review status: criteria provided, single submitter. Criteria: Invitae Variant Classification Sherloc (09022015). Collection method: clinical testing. Allele origin: germline.
Comment: This variant occurs in the RNU4ATAC gene, which encodes an RNA molecule that does not result in a protein product. This variant is present in population databases (rs564978047, gnomAD 0.05%). This variant has not been reported in the literature in individuals affected with RNU4ATAC-related conditions. ClinVar contains an entry for this variant (Variation ID: 1503496). Experimental studies and prediction algorithms are not available or were not evaluated, and the functional significance of this variant is currently unknown. In summary, the available evidence is currently insufficient to determine the role of this variant in disease. Therefore, it has been classified as a Variant of Uncertain Significance.